The following is an entry in ClinVar:

ClinVar aggregate classification (germline): Uncertain significance (1 of 4 stars; one submission).

Allele frequency attached by ClinVar (database versions not stated): gnomAD 0.00001; gnomAD exomes below 0.00001.
gnomAD v4.1: 7 of 1,613,414 alleles (0.00043%); highest among the groups gnomAD compares: Non-Finnish European, 0.00051%; no homozygotes.

Submission:

Labcorp Genetics (formerly Invitae), Labcorp
Classification: Uncertain significance. Last evaluated: 2025-08-09. Review status: criteria provided, single submitter. Criteria: Invitae Variant Classification Sherloc (09022015). Collection method: clinical testing. Allele origin: germline.
Comment: This sequence change replaces alanine, which is neutral and non-polar, with aspartic acid, which is acidic and polar, at codon 520 of the COL9A3 protein (p.Ala520Asp). This variant is present in population databases (no rsID available, gnomAD 0.0009%). This variant has not been reported in the literature in individuals affected with COL9A3-related conditions. ClinVar contains an entry for this variant (Variation ID: 2020066). Invitae Evidence Modeling of protein sequence and biophysical properties (such as structural, functional, and spatial information, amino acid conservation, physicochemical variation, residue mobility, and thermodynamic stability) indicates that this missense variant is not expected to disrupt COL9A3 protein function with a negative predictive value of 95%. In summary, the available evidence is currently insufficient to determine the role of this variant in disease. Therefore, it has been classified as a Variant of Uncertain Significance.

NM_001853.4(COL9A3):c.1559C>A (p.Ala520Asp)

Genes: COL9A3 (collagen type IX alpha 3 chain; plus strand), LOC126863084 (MED14-independent group 3 enhancer GRCh37_chr20:61467141-61468340; plus strand). Cytogenetic location: 20q13.33.
Variant type: single nucleotide variant.
Coding change: c.1559C>A on transcript NM_001853.4 (MANE Select); coding-DNA position 1559, C replaced by A.
Protein change: p.Ala520Asp; replaces alanine 520 with aspartic acid.
Molecular consequence: missense variant.
Genome position (GRCh38, 1-based): chr20:62,836,488, C>A. VCF-style: chr20-62836488-C-A. GRCh37 (hg19) VCF-style: chr20-61467840-C-A.
Other names: short protein forms A520D.
Identifiers: ClinVar variation 2020066 (VCV002020066.4), dbSNP rs1283849628, ClinGen allele CA409598464.